The following is an entry in ClinVar:

NM_000361.3(THBD):c.4C>T (p.Leu2Phe)

Gene: THBD (thrombomodulin; minus strand). Cytogenetic location: 20p11.21.
Variant type: single nucleotide variant.
Coding change: c.4C>T on transcript NM_000361.3 (MANE Select); coding-DNA position 4, C replaced by T.
Protein change: p.Leu2Phe; replaces leucine 2 with phenylalanine.
Molecular consequence: missense variant.
Genome position (GRCh38, 1-based): chr20:23,049,501, G>A on the plus strand (C>T on the coding strand, the complement: THBD is on the minus strand). VCF-style: chr20-23049501-G-A. GRCh37 (hg19) VCF-style: chr20-23030138-G-A.
Other names: short protein forms L2F.
Identifiers: ClinVar variation 2146491 (VCV002146491.5), dbSNP rs1175683983, ClinGen allele CA408408733.

ClinVar aggregate classification (germline): Uncertain significance. Review status: criteria provided, multiple submitters, no conflicts (2 of 4 stars). 2 submissions from 2 submitters: Uncertain significance (2). Last evaluated 2025-09-22.

Conditions:
Thrombomodulin-related bleeding disorder (THPH12). Also called: Thrombophilia due to thrombomodulin defect. Identifiers: Orphanet 436169, MedGen C3280976, MONDO:0013775, OMIM 614486.

Allele frequency attached by ClinVar (database versions not stated): gnomAD exomes below 0.00001; gnomAD 0.00001.

Submissions (2):

Genomenon, Inc
Classification: Uncertain significance for Thrombomodulin-related bleeding disorder. Last evaluated: 2025-09-22. Review status: criteria provided, single submitter. Criteria: Genomenon Sequence Variant Interpretation Standards - Updated. Collection method: curation. Allele origin: germline. Affected: no.
Comment: THBD p.Leu2Phe (c.4C>T) is a missense variant that changes the amino acid at residue 2 from Leucine to Phenylalanine. This variant has been reported in the published literature (PMID:34970867). It is absent or not present at a significant frequency in gnomAD. In conclusion, we classify THBD p.Leu2Phe (c.4C>T) as a variant of unknown significance.

Labcorp Genetics (formerly Invitae), Labcorp
Classification: Uncertain significance. Last evaluated: 2022-12-06. Review status: criteria provided, single submitter. Criteria: Invitae Variant Classification Sherloc (09022015). Collection method: clinical testing. Allele origin: germline.
Comment: In summary, the available evidence is currently insufficient to determine the role of this variant in disease. Therefore, it has been classified as a Variant of Uncertain Significance. This variant has not been reported in the literature in individuals affected with THBD-related conditions. This sequence change replaces leucine, which is neutral and non-polar, with phenylalanine, which is neutral and non-polar, at codon 2 of the THBD protein (p.Leu2Phe). The frequency data for this variant in the population databases is considered unreliable, as metrics indicate poor data quality at this position in the gnomAD database. Algorithms developed to predict the effect of missense changes on protein structure and function are either unavailable or do not agree on the potential impact of this missense change (SIFT: "Deleterious"; PolyPhen-2: "Not Available"; Align-GVGD: "Class C0").

Literature cited by the submitters: PubMed 34970867 (cited by Genomenon, Inc).